The following is an entry in ClinVar:

ClinVar aggregate classification (germline): Uncertain significance (1 of 4 stars; one submission).

Conditions:
Nemaline myopathy 2 (NEM2). Also called: Nemaline myopathy 2, autosomal recessive. Identifiers: MedGen C1850569, MONDO:0009725, OMIM 256030.

Submission:

Labcorp Genetics (formerly Invitae), Labcorp
Classification: Uncertain significance for Nemaline myopathy 2. Last evaluated: 2022-01-15. Review status: criteria provided, single submitter. Criteria: Invitae Variant Classification Sherloc (09022015). Collection method: clinical testing. Allele origin: germline.
Comment: This sequence change replaces lysine, which is basic and polar, with asparagine, which is neutral and polar, at codon 1227 of the NEB protein (p.Lys1227Asn). This variant is not present in population databases (gnomAD no frequency). This variant has not been reported in the literature in individuals affected with NEB-related conditions. Algorithms developed to predict the effect of missense changes on protein structure and function are either unavailable or do not agree on the potential impact of this missense change (SIFT: "Deleterious"; PolyPhen-2: "Not Available"; Align-GVGD: "Class C0"). In summary, the available evidence is currently insufficient to determine the role of this variant in disease. Therefore, it has been classified as a Variant of Uncertain Significance.

NM_001164508.2(NEB):c.3681G>T (p.Lys1227Asn)

Gene: NEB (nebulin; minus strand). Cytogenetic location: 2q23.3.
Variant type: single nucleotide variant.
Coding change: c.3681G>T on transcript NM_001164508.2 (MANE Select); coding-DNA position 3681, G replaced by T.
Protein change: p.Lys1227Asn; replaces lysine 1227 with asparagine.
Molecular consequence: missense variant.
Genome position (GRCh38, 1-based): chr2:151,677,658, C>A on the plus strand (G>T on the coding strand, the complement: NEB is on the minus strand). VCF-style: chr2-151677658-C-A. GRCh37 (hg19) VCF-style: chr2-152534172-C-A.
Other names: c.3681G>T, p.Lys1227Asn (NM_001164507.2, NM_001271208.2, NM_004543.5); short protein forms K1227N.
Identifiers: ClinVar variation 1930860 (VCV001930860.2), dbSNP rs2154209764, ClinGen allele CA348818539.